The following is an entry in ClinVar:

NM_000038.6(APC):c.730-1477T>A

Gene: APC (APC regulator of WNT signaling pathway; plus strand). Cytogenetic location: 5q22.2.
Variant type: single nucleotide variant.
Coding change: c.730-1477T>A on transcript NM_000038.6 (MANE Select); 1477 bases into the intron before coding-DNA position 730, T replaced by A.
Molecular consequence: intron variant.
Genome position (GRCh38, 1-based): chr5:112,799,802, T>A. VCF-style: chr5-112799802-T-A. GRCh37 (hg19) VCF-style: chr5-112135499-T-A.
Other names: c.730-1477T>A (NM_001354895.2, NM_001127510.3, NM_001354896.2 and 1 more transcripts); c.760-1477T>A (NM_001354897.2, NM_001354902.2); c.676-1477T>A (NM_001127511.3); c.655-1477T>A (NM_001354898.2, NM_001354904.2); c.-306-1477T>A (NM_001354906.2); c.646-1477T>A (NM_001354899.2); c.553-1477T>A (NM_001354900.2, NM_001354901.2, NM_001354905.2).
Identifiers: ClinVar variation 83034 (VCV000083034.2), dbSNP rs78193332, ClinGen allele CA013336.
Genomic context (GRCh38, chr5:112,799,802, plus strand): 5'-CATATTCTTTTTGTTCTACTTTCCTCCTTATTTTTGGTGCTTCATCCACACCATGATTCG[T>A]TGACACGCTAAAACAAGCCACACTCCCTCCTACCCTGGGTCCTCTGCATGTGATCTGTTT-3'

ClinVar aggregate classification (germline): other (0 of 4 stars; one submission).

Conditions:
Familial colorectal cancer. Identifiers: MedGen CN280943, MONDO:0023113. Disease mechanism: loss of function.

Allele frequency attached by ClinVar (database versions not stated): gnomAD 0.05359; TOPMed 0.06064; 1000 Genomes Project 30x 0.08807; 1000 Genomes Project 0.09046.
gnomAD v4.1: 8,346 of 152,136 alleles (5.5%); highest among the groups gnomAD compares: East Asian, 14%; 438 homozygotes.

Submission:

Systems Biology Platform Zhejiang California International NanoSystems Institute
Classification: other for Familial colorectal cancer. Review status: no assertion criteria provided. Collection method: not provided. Allele origin: unknown.
ClinVar note: Converted during submission from cancer to other.